The following is an entry in ClinVar:

NM_001365951.3(KIF1B):c.2350A>G (p.Lys784Glu)

Gene: KIF1B (kinesin family member 1B; plus strand). Cytogenetic location: 1p36.22.
Variant type: single nucleotide variant.
Coding change: c.2350A>G on transcript NM_001365951.3 (MANE Select); coding-DNA position 2350, A replaced by G.
Protein change: p.Lys784Glu; replaces lysine 784 with glutamic acid.
Molecular consequence: missense variant.
Genome position (GRCh38, 1-based): chr1:10,321,849, A>G. VCF-style: chr1-10321849-A-G. GRCh37 (hg19) VCF-style: chr1-10381907-A-G.
Other names: c.2350A>G, p.Lys784Glu (NM_001365952.1); c.2212A>G, p.Lys738Glu (NM_015074.3); short protein forms K738E, K784E.
Identifiers: ClinVar variation 4543656 (VCV004543656.1).

ClinVar aggregate classification (germline): Uncertain significance (1 of 4 stars; one submission).

Submission:

Ambry Genetics
Classification: Uncertain significance. Last evaluated: 2025-10-27. Review status: criteria provided, single submitter. Criteria: Ambry Variant Classification Scheme 2023. Collection method: clinical testing. Allele origin: germline.
Comment: The p.K738E variant (also known as c.2212A>G), located in coding exon 21 of the KIF1B gene, results from an A to G substitution at nucleotide position 2212. The lysine at codon 738 is replaced by glutamic acid, an amino acid with similar properties. This amino acid position is conserved. In addition, this alteration is predicted to be deleterious by in silico analysis. Based on the available evidence, the clinical significance of this variant remains unclear.